The following is an entry in ClinVar:

ClinVar aggregate classification (germline): Pathogenic (1 of 4 stars; one submission).

Conditions:
Mucopolysaccharidosis, MPS-II (MPS2). Also called: Hunter Syndrome; IDURONATE 2-SULFATASE DEFICIENCY; Mucopolysaccharidosis Type II; Mucopolysaccharidosis type 2; Attenuated MPS (subtype; formerly known as mild MPS II); Severe MPS II. Identifiers: Orphanet 580, Orphanet 79388, MedGen C0026705, MONDO:0010674, OMIM 309900.

Submission:

Laboratory of Diagnosis and Therapy of Lysosomal Disorders, University of Padova
Classification: Pathogenic for Mucopolysaccharidosis, MPS-II. Last evaluated: 2024-06-07. Review status: criteria provided, single submitter. Criteria: ACMG Guidelines, 2015. Collection method: literature only. Allele origin: germline. Affected: yes. Observed: 1 variant allele.
Comment: Absent from controls (or at low frequency) in gnomAD database (PM2_Moderate), Protein length changes in a nonrepeat region or stop–loss variants (PM4_Strong), Multiple lines of computational evidence support a deleterious effect (PP3_Supporting), Patient’s phenotype or family history highly specific for the disease (PP4_Strong)

Classification method: ACMG Guidelines [PMID:25741868] with modifications

Literature cited by the submitters: PubMed 36945845.

NM_000202.8(IDS):c.320_322del (p.Ser107del)

Gene: IDS (iduronate 2-sulfatase; minus strand). Cytogenetic location: Xq28.
Variant type: Deletion.
Coding change: c.320_322del on transcript NM_000202.8 (MANE Select); coding-DNA positions 320 to 322, 3 bases deleted (CCT; older notation c.320_322delCCT).
Protein change: p.Ser107del; deletes serine 107.
Molecular consequence: inframe deletion. On other transcripts: non-coding transcript variant (1).
Genome position (GRCh38, 1-based): chrX:149,503,408-149,503,410, AGG deleted on the plus strand (CCT on the coding strand, the reverse complement: IDS is on the minus strand); deleting any 3 consecutive bases within chrX:149,503,408-149,503,412 gives the same sequence; the c. name uses the placement nearest the transcript's 3' end. VCF-style (leftmost placement, unchanged base first): chrX-149503407-TAGG-T. GRCh37 (hg19) VCF-style: chrX-148584937-TAGG-T.
Other names: c.50_52del, p.Ser17del (NM_001166550.4); c.320_322del, p.Ser107del (NM_006123.5); short protein forms S107del, S17del.
Identifiers: ClinVar variation 3255666 (VCV003255666.2).